The following is an entry in ClinVar:

NM_000988.5(RPL27):c.270C>G (p.Pro90=)

Gene: RPL27 (ribosomal protein L27; plus strand). Cytogenetic location: 17q21.31.
Variant type: single nucleotide variant.
Coding change: c.270C>G on transcript NM_000988.5 (MANE Select); coding-DNA position 270, C replaced by G.
Protein change: p.Pro90=; no amino-acid change (proline 90 retained).
Molecular consequence: synonymous variant. On other transcripts: non-coding transcript variant (1).
Genome position (GRCh38, 1-based): chr17:43,002,691, C>G. VCF-style: chr17-43002691-C-G. GRCh37 (hg19) VCF-style: chr17-41154708-C-G.
Other names: c.270C>G, p.Pro90= (NM_001349921.2, NM_001349922.2); c.270C>G (NM_000988.3).
Identifiers: ClinVar variation 2875423 (VCV002875423.4), dbSNP rs544770646, ClinGen allele CA8588975.

ClinVar aggregate classification (germline): Likely benign. Review status: criteria provided, multiple submitters, no conflicts (2 of 4 stars). 2 submissions from 2 submitters: Likely benign (2). Last evaluated 2025-03-13.

Conditions:
RPL27-related disorder. Also called: RPL27-related condition.

Allele frequency attached by ClinVar (database versions not stated): ExAC 0.00007; 1000 Genomes Project 30x 0.00016; 1000 Genomes Project 0.00020.
gnomAD v4.1: 47 of 1,612,468 alleles (0.0029%); highest among the groups gnomAD compares: South Asian, 0.048%; no homozygotes.

Submissions (2):

PreventionGenetics, part of Exact Sciences
Classification: Likely benign for RPL27-related condition. Last evaluated: 2025-03-13. Review status: criteria provided, single submitter. Criteria: ACMG Guidelines, 2015. Collection method: clinical testing. Allele origin: germline.
Comment: This variant is classified as likely benign based on ACMG/AMP sequence variant interpretation guidelines (Richards et al. 2015 PMID: 25741868, with internal and published modifications).

Labcorp Genetics (formerly Invitae), Labcorp
Classification: Likely benign. Last evaluated: 2024-10-30. Review status: criteria provided, single submitter. Criteria: Invitae Variant Classification Sherloc (09022015). Collection method: clinical testing. Allele origin: germline.